The following is an entry in ClinVar:

ClinVar aggregate classification (germline): not provided (0 of 4 stars; one submission).

Allele frequency attached by ClinVar (database versions not stated): TOPMed 0.00014; 1000 Genomes Project 30x 0.00078.

Submission:

Human Evolutionary Genetics, Institut Pasteur
No classification provided. Review status: no classification provided. Collection method: not provided. Allele origin: germline.
ClinVar note: Converted during submission from untested to not provided.

NM_134444.5(NLRP4):c.-66+7G>T

Gene: NLRP4 (NLR family pyrin domain containing 4; plus strand). Cytogenetic location: 19q13.43.
Variant type: single nucleotide variant.
Coding change: c.-66+7G>T on transcript NM_134444.5 (MANE Select); 7 bases into the intron after 66 bases upstream of the start codon, G replaced by T.
Molecular consequence: intron variant.
Genome position (GRCh38, 1-based): chr19:55,836,941, G>T. VCF-style: chr19-55836941-G-T. GRCh37 (hg19) VCF-style: chr19-56348307-G-T.
Identifiers: ClinVar variation 103217 (VCV000103217.2), dbSNP rs199475744, ClinGen allele CA230271.